The following is an entry in ClinVar:

NM_001103.4(ACTN2):c.1305A>G (p.Thr435=)

Gene: ACTN2 (actinin alpha 2; plus strand). Cytogenetic location: 1q43.
Variant type: single nucleotide variant.
Coding change: c.1305A>G on transcript NM_001103.4 (MANE Select); coding-DNA position 1305, A replaced by G.
Protein change: p.Thr435=; no amino-acid change (threonine 435 retained).
Molecular consequence: synonymous variant.
Genome position (GRCh38, 1-based): chr1:236,744,675, A>G. VCF-style: chr1-236744675-A-G. GRCh37 (hg19) VCF-style: chr1-236907975-A-G.
Other names: c.1305A>G, p.Thr435= (NM_001278343.2); c.681A>G, p.Thr227= (NM_001278344.2).
Identifiers: ClinVar variation 43900 (VCV000043900.16), dbSNP rs12043223, ClinGen allele CA133120.
Genomic context (GRCh38, chr1:236,744,675, plus strand): 5'-CACCTTTGCAGGCAAAGAGCAGATCTTGCTGCAGAAGGATTACGAGTCGGCGTCGCTGAC[A>G]GAGGTGCGGGCTCTGCTGCGGAAGCACGAGGCGTTCGAGAGCGACCTGGCAGCGCACCAG-3'
Protein context (NP_001094.1, residues 425-445): LQKDYESASL[Thr435=]EVRALLRKHE

ClinVar aggregate classification (germline): Likely benign. Review status: criteria provided, multiple submitters, no conflicts (2 of 4 stars). 5 submissions from 5 submitters: Likely benign (5). Last evaluated 2024-08-19.

Conditions:
Myopathy, distal, 6, adult-onset, autosomal dominant. Identifiers: MedGen C5203349, MONDO:0032853, OMIM 618655.
Myopathy, congenital, with structured cores and z-line abnormalities. Also called: CONGENITAL MYOPATHY 8; MULTIPLE STRUCTURED CORE DISEASE. Identifiers: MedGen C5231445, MONDO:0032852, OMIM 618654.
Dilated cardiomyopathy 1AA (CMD1AA). Also called: Cardiomyopathy, dilated, 1AA, with or without LVNC; CARDIOMYOPATHY, DILATED, 1AA, WITH OR WITHOUT LEFT VENTRICULAR NONCOMPACTION; CARDIOMYOPATHY, FAMILIAL HYPERTROPHIC, 23, WITH OR WITHOUT LEFT VENTRICULAR NONCOMPACTION. Identifiers: Orphanet 154, MedGen C2677338, MONDO:0012808, OMIM 612158.
Cardiovascular phenotype. Identifiers: MedGen CN230736.
Primary familial hypertrophic cardiomyopathy (HCM). Identifiers: Orphanet 99739, MedGen C0949658, MeSH D024741, MONDO:0024573. Inheritance: Various modes of inheritance.

Allele frequency attached by ClinVar (database versions not stated): gnomAD exomes 0.00001; TOPMed below 0.00001; ExAC 0.00001; gnomAD 0.00001.
gnomAD v4.1: 15 of 1,614,220 alleles (0.00093%); highest among the groups gnomAD compares: East Asian, 0.0045%; no homozygotes.

Submissions (5):

Ambry Genetics
Classification: Likely benign for Cardiovascular phenotype. Last evaluated: 2024-08-19. Review status: criteria provided, single submitter. Criteria: Ambry Variant Classification Scheme 2023. Collection method: clinical testing. Allele origin: germline.

Labcorp Genetics (formerly Invitae), Labcorp
Classification: Likely benign for Primary familial hypertrophic cardiomyopathy; Dilated cardiomyopathy 1AA. Last evaluated: 2024-01-31. Review status: criteria provided, single submitter. Criteria: Invitae Variant Classification Sherloc (09022015). Collection method: clinical testing. Allele origin: germline.

Fulgent Genetics
Classification: Likely benign for Dilated cardiomyopathy 1AA; Myopathy, congenital, with structured cores and z-line abnormalities; Myopathy, distal, 6, adult-onset, autosomal dominant. Last evaluated: 2021-08-11. Review status: criteria provided, single submitter. Criteria: ACMG Guidelines, 2015. Collection method: clinical testing. Allele origin: unknown.

GeneDx
Classification: Likely benign. Last evaluated: 2017-07-18. Review status: criteria provided, single submitter. Criteria: GeneDx Variant Classification (06012015). Collection method: clinical testing. Allele origin: germline. Affected: yes.
Comment: This variant is considered likely benign or benign based on one or more of the following criteria: it is a conservative change, it occurs at a poorly conserved position in the protein, it is predicted to be benign by multiple in silico algorithms, and/or has population frequency not consistent with disease.

Laboratory for Molecular Medicine, Mass General Brigham Personalized Medicine
Classification: Likely benign. Last evaluated: 2009-08-05. Review status: criteria provided, single submitter. Criteria: LMM Criteria. Collection method: clinical testing. Allele origin: germline. Observed: 1 variant allele.